The following is an entry in ClinVar:

NM_152703.5(SAMD9L):c.898T>G (p.Ser300Ala)

Gene: SAMD9L (sterile alpha motif domain containing 9 like; minus strand). Cytogenetic location: 7q21.2.
Variant type: single nucleotide variant.
Coding change: c.898T>G on transcript NM_152703.5 (MANE Select); coding-DNA position 898, T replaced by G.
Protein change: p.Ser300Ala; replaces serine 300 with alanine.
Molecular consequence: missense variant.
Genome position (GRCh38, 1-based): chr7:93,135,074, A>C on the plus strand (T>G on the coding strand, the complement: SAMD9L is on the minus strand). VCF-style: chr7-93135074-A-C. GRCh37 (hg19) VCF-style: chr7-92764387-A-C.
Other names: c.898T>G, p.Ser300Ala (NM_001303496.3, NM_001303497.3, NM_001303498.3 and 5 more transcripts); short protein forms S300A.
Identifiers: ClinVar variation 4826190 (VCV004826190.1).

ClinVar aggregate classification (germline): Uncertain significance (1 of 4 stars; one submission).

Conditions:
Inborn genetic diseases. Identifiers: MedGen C0950123, MeSH D030342.

gnomAD v4.1: 1 of 1,613,178 alleles (0.000062%); highest among the groups gnomAD compares: Non-Finnish European, 0.000085%; no homozygotes.

Submission:

Ambry Genetics
Classification: Uncertain significance for Inborn genetic diseases. Last evaluated: 2026-03-10. Review status: criteria provided, single submitter. Criteria: Ambry Variant Classification Scheme 2023. Collection method: clinical testing. Allele origin: germline.
Comment: The p.S300A variant (also known as c.898T>G), located in coding exon 1 of the SAMD9L gene, results from a T to G substitution at nucleotide position 898. The serine at codon 300 is replaced by alanine, an amino acid with similar properties. This amino acid position is conserved. In addition, this alteration is predicted to be tolerated by in silico analysis. Based on the available evidence, the clinical significance of this variant remains unclear.